The following is an entry in ClinVar:

ClinVar aggregate classification (germline): Uncertain significance. Review status: criteria provided, multiple submitters, no conflicts (2 of 4 stars). 2 submissions from 2 submitters: Uncertain significance (2). Last evaluated 2025-03-24.

Conditions:
Inborn genetic diseases. Identifiers: MedGen C0950123, MeSH D030342.

Allele frequency attached by ClinVar (database versions not stated): gnomAD 0.00001; ExAC 0.00002; gnomAD exomes 0.00002; TOPMed 0.00002; ESP Exome Variant Server 0.00008.
gnomAD v4.1: 24 of 1,613,800 alleles (0.0015%); highest among the groups gnomAD compares: Non-Finnish European, 0.0019%; no homozygotes.

Submissions (2):

Ambry Genetics
Classification: Uncertain significance for Inborn genetic diseases. Last evaluated: 2025-03-24. Review status: criteria provided, single submitter. Criteria: Ambry Variant Classification Scheme 2023. Collection method: clinical testing. Allele origin: germline.

Labcorp Genetics (formerly Invitae), Labcorp
Classification: Uncertain significance. Last evaluated: 2024-10-21. Review status: criteria provided, single submitter. Criteria: Invitae Variant Classification Sherloc (09022015). Collection method: clinical testing. Allele origin: germline.
Comment: This sequence change replaces aspartic acid, which is acidic and polar, with glycine, which is neutral and non-polar, at codon 258 of the TNNI3K protein (p.Asp258Gly). This variant is present in population databases (rs200590082, gnomAD 0.003%). This variant has not been reported in the literature in individuals affected with TNNI3K-related conditions. ClinVar contains an entry for this variant (Variation ID: 1966972). Invitae Evidence Modeling of protein sequence and biophysical properties (such as structural, functional, and spatial information, amino acid conservation, physicochemical variation, residue mobility, and thermodynamic stability) indicates that this missense variant is not expected to disrupt TNNI3K protein function with a negative predictive value of 80%. In summary, the available evidence is currently insufficient to determine the role of this variant in disease. Therefore, it has been classified as a Variant of Uncertain Significance.

NM_015978.3(TNNI3K):c.773A>G (p.Asp258Gly)

Genes: FPGT-TNNI3K (FPGT-TNNI3K readthrough; plus strand), TNNI3K (TNNI3 interacting kinase; plus strand). Cytogenetic location: 1p31.1.
Variant type: single nucleotide variant.
Coding change: c.773A>G on transcript NM_015978.3 (MANE Select); coding-DNA position 773, A replaced by G.
Protein change: p.Asp258Gly; replaces aspartic acid 258 with glycine.
Molecular consequence: missense variant.
Genome position (GRCh38, 1-based): chr1:74,342,932, A>G. VCF-style: chr1-74342932-A-G. GRCh37 (hg19) VCF-style: chr1-74808616-A-G.
Other names: c.773A>G (NM_015978.2); c.1076A>G, p.Asp359Gly (NM_001112808.3, NM_001199327.2); short protein forms D359G, D258G.
Identifiers: ClinVar variation 1966972 (VCV001966972.6), dbSNP rs200590082, ClinGen allele CA909007.